The following is an entry in ClinVar:

ClinVar aggregate classification (germline): Uncertain significance (1 of 4 stars; one submission).

gnomAD v4.1: 1 of 1,614,168 alleles (0.000062%); no homozygotes.

Submission:

Labcorp Genetics (formerly Invitae), Labcorp
Classification: Uncertain significance. Last evaluated: 2022-12-02. Review status: criteria provided, single submitter. Criteria: Invitae Variant Classification Sherloc (09022015). Collection method: clinical testing. Allele origin: germline.
Comment: In summary, the available evidence is currently insufficient to determine the role of this variant in disease. Therefore, it has been classified as a Variant of Uncertain Significance. Algorithms developed to predict the effect of missense changes on protein structure and function are either unavailable or do not agree on the potential impact of this missense change (SIFT: "Deleterious"; PolyPhen-2: "Benign"; Align-GVGD: "Class C0"). This variant has not been reported in the literature in individuals affected with TCF20-related conditions. This variant is present in population databases (no rsID available, gnomAD 0.01%). This sequence change replaces alanine, which is neutral and non-polar, with valine, which is neutral and non-polar, at codon 281 of the TCF20 protein (p.Ala281Val).

NM_001378418.1(TCF20):c.842C>T (p.Ala281Val)

Gene: TCF20 (transcription factor 20; minus strand). Cytogenetic location: 22q13.2.
Variant type: single nucleotide variant.
Coding change: c.842C>T on transcript NM_001378418.1 (MANE Select); coding-DNA position 842, C replaced by T.
Protein change: p.Ala281Val; replaces alanine 281 with valine.
Molecular consequence: missense variant.
Genome position (GRCh38, 1-based): chr22:42,214,464, G>A on the plus strand (C>T on the coding strand, the complement: TCF20 is on the minus strand). VCF-style: chr22-42214464-G-A. GRCh37 (hg19) VCF-style: chr22-42610470-G-A.
Other names: c.842C>T, p.Ala281Val (NM_005650.4, NM_181492.3); short protein forms A281V.
Identifiers: ClinVar variation 2816224 (VCV002816224.3), dbSNP rs1280824299, ClinGen allele CA411792125.
Genomic context (GRCh38, chr22:42,214,464, plus strand): 5'-TCAAAATTCTTCATAGATTGAGGCTGATAGCTGTAATTGGATTGTGTTCCATAAGCCTGT[G>A]CATTAGAACCCACATTGTGTCCTTCATACTGAGATCCAGCATTCACATTGTAACTGCCAT-3'
Protein context (NP_001365347.1, residues 271-291): QYEGHNVGSN[Ala281Val]QAYGTQSNYS